The following is an entry in ClinVar:

ClinVar aggregate classification (germline): Uncertain significance. Review status: criteria provided, multiple submitters, no conflicts (2 of 4 stars). 4 submissions from 4 submitters: Uncertain significance (4). Last evaluated 2026-01-11.

Conditions:
Myofibrillar myopathy 6. Identifiers: Orphanet 199340, MedGen C2751831, MONDO:0013061, OMIM 612954.
Dilated cardiomyopathy 1HH (CMD1HH). Identifiers: Orphanet 154, MedGen C3151293, MONDO:0013479, OMIM 613881.
Cardiovascular phenotype. Identifiers: MedGen CN230736.

Allele frequency attached by ClinVar (database versions not stated): gnomAD 0.00001 and 0.00002; gnomAD exomes 0.00002 and 0.00003; TOPMed 0.00002; ExAC 0.00004.
gnomAD v4.1: 37 of 1,613,998 alleles (0.0023%); highest among the groups gnomAD compares: East Asian, 0.013%; no homozygotes.

Submissions (4):

Labcorp Genetics (formerly Invitae), Labcorp
Classification: Uncertain significance for Dilated cardiomyopathy 1HH; Myofibrillar myopathy 6. Last evaluated: 2026-01-11. Review status: criteria provided, single submitter. Criteria: Invitae Variant Classification Sherloc (09022015). Collection method: clinical testing. Allele origin: germline.
Comment: This sequence change replaces arginine, which is basic and polar, with cysteine, which is neutral and slightly polar, at codon 343 of the BAG3 protein (p.Arg343Cys). This variant is present in population databases (rs768613403, gnomAD 0.01%). This variant has not been reported in the literature in individuals affected with BAG3-related conditions. ClinVar contains an entry for this variant (Variation ID: 658377). Invitae Evidence Modeling of protein sequence and biophysical properties (such as structural, functional, and spatial information, amino acid conservation, physicochemical variation, residue mobility, and thermodynamic stability) indicates that this missense variant is not expected to disrupt BAG3 protein function with a negative predictive value of 80%. In summary, the available evidence is currently insufficient to determine the role of this variant in disease. Therefore, it has been classified as a Variant of Uncertain Significance.

GeneDx
Classification: Uncertain significance. Last evaluated: 2024-07-23. Review status: criteria provided, single submitter. Criteria: GeneDx Variant Classification Process June 2021. Collection method: clinical testing. Allele origin: germline. Affected: yes.
Comment: Has not been previously published as pathogenic or benign to our knowledge; In silico analysis indicates that this missense variant does not alter protein structure/function; This variant is associated with the following publications: (PMID: 20001957)

Ambry Genetics
Classification: Uncertain significance for Cardiovascular phenotype. Last evaluated: 2023-03-14. Review status: criteria provided, single submitter. Criteria: Ambry Variant Classification Scheme 2023. Collection method: clinical testing. Allele origin: germline.
Comment: The p.R343C variant (also known as c.1027C>T), located in coding exon 4 of the BAG3 gene, results from a C to T substitution at nucleotide position 1027. The arginine at codon 343 is replaced by cysteine, an amino acid with highly dissimilar properties. This amino acid position is not well conserved in available vertebrate species. In addition, the in silico prediction for this alteration is inconclusive. Since supporting evidence is limited at this time, the clinical significance of this alteration remains unclear.

Revvity Omics, Revvity
Classification: Uncertain significance. Last evaluated: 2020-06-11. Review status: criteria provided, single submitter. Criteria: ACMG Guidelines, 2015. Collection method: clinical testing. Allele origin: germline.

NM_004281.4(BAG3):c.1027C>T (p.Arg343Cys)

Gene: BAG3 (BAG cochaperone 3; plus strand). Cytogenetic location: 10q26.11.
Variant type: single nucleotide variant.
Coding change: c.1027C>T on transcript NM_004281.4 (MANE Select); coding-DNA position 1027, C replaced by T.
Protein change: p.Arg343Cys; replaces arginine 343 with cysteine.
Molecular consequence: missense variant.
Genome position (GRCh38, 1-based): chr10:119,676,581, C>T. VCF-style: chr10-119676581-C-T. GRCh37 (hg19) VCF-style: chr10-121436093-C-T.
Other names: short protein forms R343C.
Identifiers: ClinVar variation 658377 (VCV000658377.18), dbSNP rs768613403, ClinGen allele CA5716465.